The following is an entry in ClinVar:

ClinVar aggregate classification (germline): Likely benign. Review status: criteria provided, multiple submitters, no conflicts (2 of 4 stars). 3 submissions from 3 submitters: Likely benign (3). Last evaluated 2026-01-01.

Conditions:
Hereditary cancer-predisposing syndrome. Also called: Hereditary neoplastic syndrome; Tumor predisposition; Neoplastic Syndromes, Hereditary; Hereditary Cancer Syndrome. Identifiers: Orphanet 140162, MedGen C0027672, MeSH D009386, MONDO:0015356.
Ataxia-telangiectasia syndrome (AT). Also called: LOUIS-BAR SYNDROME; ATAXIA-TELANGIECTASIA, COMPLEMENTATION GROUP A; ATAXIA-TELANGIECTASIA, FRESNO VARIANT; Ataxia-telangiectasia; Ataxia telangiectasia (A-T); Cerebello-oculocutaneous telangiectasia. Identifiers: Orphanet 100, MedGen C0004135, MONDO:0008840, OMIM 208900.

Allele frequency attached by ClinVar (database versions not stated): TOPMed below 0.00001; ExAC 0.00001; gnomAD 0.00001; gnomAD exomes 0.00001 and 0.00004.
gnomAD v4.1: 65 of 1,611,138 alleles (0.004%); highest among the groups gnomAD compares: Non-Finnish European, 0.0052%; no homozygotes.

Submissions (3):

Labcorp Genetics (formerly Invitae), Labcorp
Classification: Likely benign for Ataxia-telangiectasia syndrome. Last evaluated: 2026-01-01. Review status: criteria provided, single submitter. Criteria: Invitae Variant Classification Sherloc (09022015). Collection method: clinical testing. Allele origin: germline.

GeneDx
Classification: Likely benign. Last evaluated: 2017-04-14. Review status: criteria provided, single submitter. Criteria: GeneDx Variant Classification (06012015). Collection method: clinical testing. Allele origin: germline. Affected: yes.
Comment: This variant is considered likely benign or benign based on one or more of the following criteria: it is a conservative change, it occurs at a poorly conserved position in the protein, it is predicted to be benign by multiple in silico algorithms, and/or has population frequency not consistent with disease.

Color Diagnostics, LLC DBA Color Health
Classification: Likely benign for Hereditary cancer-predisposing syndrome. Last evaluated: 2016-06-06. Review status: criteria provided, single submitter. Criteria: ACMG Guidelines, 2015. Collection method: clinical testing. Allele origin: germline.

NM_000051.4(ATM):c.4611+19T>C

Gene: ATM (ATM serine/threonine kinase; plus strand). Cytogenetic location: 11q22.3.
Variant type: single nucleotide variant.
Coding change: c.4611+19T>C on transcript NM_000051.4 (MANE Select); 19 bases into the intron after coding-DNA position 4611, T replaced by C.
Molecular consequence: intron variant.
Genome position (GRCh38, 1-based): chr11:108,292,812, T>C. VCF-style: chr11-108292812-T-C. GRCh37 (hg19) VCF-style: chr11-108163539-T-C.
Other names: c.4611+19T>C (NM_001351834.2).
Identifiers: ClinVar variation 379704 (VCV000379704.11), dbSNP rs776602821, ClinGen allele CA6265505.